The following is an entry in ClinVar:

NM_007187.5(WBP4):c.990C>T (p.Gly330=)

Gene: WBP4 (WW domain binding protein 4; plus strand). Cytogenetic location: 13q14.11.
Variant type: single nucleotide variant.
Coding change: c.990C>T on transcript NM_007187.5 (MANE Select); coding-DNA position 990, C replaced by T.
Protein change: p.Gly330=; no amino-acid change (glycine 330 retained).
Molecular consequence: synonymous variant.
Genome position (GRCh38, 1-based): chr13:41,082,773, C>T. VCF-style: chr13-41082773-C-T. GRCh37 (hg19) VCF-style: chr13-41656909-C-T.
Identifiers: ClinVar variation 3906134 (VCV003906134.10).

ClinVar aggregate classification (germline): Likely benign (1 of 4 stars; one submission).

gnomAD v4.1: 3,135 of 1,613,992 alleles (0.19%); highest among the groups gnomAD compares: Non-Finnish European, 0.22%; 6 homozygotes.

Submission:

CeGaT Center for Human Genetics Tuebingen
Classification: Likely benign. Last evaluated: 2026-04-01. Review status: criteria provided, single submitter. Criteria: CeGaT Center For Human Genetics Tuebingen Variant Classification Criteria Version 2. Collection method: clinical testing. Allele origin: germline. Affected: yes. Observed: 3 variant alleles.
Comment: WBP4: BP4, BP7